The following is an entry in ClinVar:

ClinVar aggregate classification (germline): Uncertain significance (1 of 4 stars; one submission).

Conditions:
Hereditary pheochromocytoma and paraganglioma. Also called: Hereditary paragangliomas and pheochromocytomas; Hereditary Paraganglioma-Pheochromocytoma Syndromes; Hereditary pheochromocytoma-paraganglioma. Identifiers: Orphanet 29072, MedGen C4274332, MONDO:0017366.

Submission:

Labcorp Genetics (formerly Invitae), Labcorp
Classification: Uncertain significance for Hereditary pheochromocytoma and paraganglioma. Last evaluated: 2022-03-09. Review status: criteria provided, single submitter. Criteria: Invitae Variant Classification Sherloc (09022015). Collection method: clinical testing. Allele origin: germline.
Comment: In summary, the available evidence is currently insufficient to determine the role of this variant in disease. Therefore, it has been classified as a Variant of Uncertain Significance. Variants that disrupt the consensus splice site are a relatively common cause of aberrant splicing (PMID: 17576681, 9536098). Algorithms developed to predict the effect of sequence changes on RNA splicing suggest that this variant is not likely to affect RNA splicing. This variant has not been reported in the literature in individuals affected with MAX-related conditions. This variant is not present in population databases (gnomAD no frequency). This sequence change falls in intron 3 of the MAX gene. It does not directly change the encoded amino acid sequence of the MAX protein. It affects a nucleotide within the consensus splice site.

Literature cited by the submitters: PubMed 17576681; PubMed 9536098.

NM_002382.5(MAX):c.171+6T>A

Genes: MAX (MYC associated transcriptional regulator X; minus strand), MAX-AS1 (MAX antisense RNA 1; plus strand). Cytogenetic location: 14q23.3.
Variant type: single nucleotide variant.
Coding change: c.171+6T>A on transcript NM_002382.5 (MANE Select); 6 bases into the intron after coding-DNA position 171, T replaced by A.
Molecular consequence: intron variant. On other transcripts: non-coding transcript variant (1).
Genome position (GRCh38, 1-based): chr14:65,093,702, A>T on the plus strand (T>A on the coding strand, the complement: MAX is on the minus strand). VCF-style: chr14-65093702-A-T. GRCh37 (hg19) VCF-style: chr14-65560420-A-T.
Other names: c.144+6T>A (NM_001271069.2, NM_145112.3, NM_001271068.2); c.171+6T>A (NM_197957.4, NM_145113.3, NM_145114.3); c.-104+6T>A (NM_001320415.2).
Identifiers: ClinVar variation 1486333 (VCV001486333.6), dbSNP rs1060500098, ClinGen allele CA486742569.